The following is an entry in ClinVar:

ClinVar aggregate classification (germline): Uncertain significance (1 of 4 stars; one submission).

Submission:

Labcorp Genetics (formerly Invitae), Labcorp
Classification: Uncertain significance. Last evaluated: 2025-03-31. Review status: criteria provided, single submitter. Criteria: Invitae Variant Classification Sherloc (09022015). Collection method: clinical testing. Allele origin: germline.
Comment: This sequence change replaces asparagine, which is neutral and polar, with lysine, which is basic and polar, at codon 154 of the PRPF31 protein (p.Asn154Lys). This variant is not present in population databases (gnomAD no frequency). This variant has not been reported in the literature in individuals affected with PRPF31-related conditions. An algorithm developed to predict the effect of missense changes on protein structure and function (PolyPhen-2) suggests that this variant is likely to be tolerated. In summary, the available evidence is currently insufficient to determine the role of this variant in disease. Therefore, it has been classified as a Variant of Uncertain Significance.

NM_015629.4(PRPF31):c.462C>A (p.Asn154Lys)

Gene: PRPF31 (pre-mRNA processing factor 31; plus strand). Cytogenetic location: 19q13.42.
Variant type: single nucleotide variant.
Coding change: c.462C>A on transcript NM_015629.4 (MANE Select); coding-DNA position 462, C replaced by A.
Protein change: p.Asn154Lys; replaces asparagine 154 with lysine.
Molecular consequence: missense variant.
Genome position (GRCh38, 1-based): chr19:54,123,495, C>A. VCF-style: chr19-54123495-C-A. GRCh37 (hg19) VCF-style: chr19-54626874-C-A.
Other names: short protein forms N154K.
Identifiers: ClinVar variation 4806304 (VCV004806304.1).